The following is an entry in ClinVar:

NM_033380.3(COL4A5):c.899C>T (p.Pro300Leu)

Gene: COL4A5 (collagen type IV alpha 5 chain; plus strand). Cytogenetic location: Xq22.3.
Variant type: single nucleotide variant.
Coding change: c.899C>T on transcript NM_033380.3 (MANE Select); coding-DNA position 899, C replaced by T.
Protein change: p.Pro300Leu; replaces proline 300 with leucine.
Molecular consequence: missense variant.
Genome position (GRCh38, 1-based): chrX:108,580,990, C>T. VCF-style: chrX-108580990-C-T. GRCh37 (hg19) VCF-style: chrX-107824220-C-T.
Other names: c.899C>T, p.Pro300Leu (NM_000495.5); short protein forms P300L.
Identifiers: ClinVar variation 1169664 (VCV001169664.12), dbSNP rs375377003, ClinGen allele CA10488617.

ClinVar aggregate classification (germline): Conflicting classifications of pathogenicity. Review status: criteria provided, conflicting classifications (1 of 4 stars). 4 submissions from 4 submitters: Uncertain significance (2); Benign (1). 1 of the submissions does not count toward it. Last evaluated 2026-01-24.

Conditions:
Disease of glomerular basement membrane. Identifiers: MONDO:0019723.
X-linked Alport syndrome (ATS1). Also called: COL4A5-Related Nephropathy; NEPHROPATHY AND DEAFNESS, X-LINKED. Identifiers: Orphanet 63, Orphanet 88917, MedGen C4746986, MONDO:0010520, OMIM 301050.

Allele frequency attached by ClinVar (database versions not stated): ExAC 0.00005; gnomAD 0.00006 and 0.00010; gnomAD exomes 0.00007 and 0.00009; TOPMed 0.00007; ESP Exome Variant Server 0.00009.
gnomAD v4.1: 104 of 1,206,513 alleles (0.0086%); highest among the groups gnomAD compares: Admixed American, 0.015%; no homozygotes.

Submissions (4):

Labcorp Genetics (formerly Invitae), Labcorp
Classification: Benign. Last evaluated: 2026-01-24. Review status: criteria provided, single submitter. Criteria: Invitae Variant Classification Sherloc (09022015). Collection method: clinical testing. Allele origin: germline.

Women's Health and Genetics/Laboratory Corporation of America, LabCorp
Classification: Uncertain significance. Last evaluated: 2024-08-08. Review status: criteria provided, single submitter. Criteria: LabCorp Variant Classification Summary - May 2015. Collection method: clinical testing. Allele origin: germline.
Comment: Variant summary: COL4A5 c.899C>T (p.Pro300Leu) results in a non-conservative amino acid change in the encoded protein sequence. Five of five in-silico tools predict a damaging effect of the variant on protein function. The variant allele was found at a frequency of 6.5e-05 in 183307 control chromosomes. This frequency is not significantly higher than estimated for a pathogenic variant in COL4A5 causing Alport Syndrome 1, X-Linked Recessive (6.5e-05 vs 0.0046), allowing no conclusion about variant significance. c.899C>T has been reported in the literature in at least one individual with thin basement membrane disease (e.g., Gulati_2019, Chang_2024), however without strong evidence for causality. These reports therefore do not provide unequivocal conclusions about association of the variant with Alport Syndrome 1, X-Linked Recessive. To our knowledge, no experimental evidence demonstrating an impact on protein function has been reported. The following publications have been ascertained in the context of this evaluation (PMID: 38680391, 31922066). ClinVar contains an entry for this variant (Variation ID: 1169664). Based on the evidence outlined above, the variant was classified as uncertain significance.

Fulgent Genetics
Classification: Uncertain significance for X-linked Alport syndrome. Last evaluated: 2024-02-05. Review status: criteria provided, single submitter. Criteria: ACMG Guidelines, 2015. Collection method: clinical testing. Allele origin: germline.

Yale Center for Mendelian Genomics, Yale University
Classification: Likely pathogenic for Disease of glomerular basement membrane. Last evaluated: 2019-09-11. Review status: no assertion criteria provided. Collection method: literature only. Allele origin: unknown. Affected: yes. Observed: 1 heterozygote. Study: Yale Center for Mendelian Genomics. Not counted in ClinVar's aggregate classification.

Literature cited by the submitters: PubMed 38680391 (cited by Women's Health and Genetics/Laboratory Corporation of America, LabCorp); PubMed 31922066 (cited by Women's Health and Genetics/Laboratory Corporation of America, LabCorp and Yale Center for Mendelian Genomics, Yale University).